The following is an entry in ClinVar:

NM_000238.4(KCNH2):c.1714G>T (p.Gly572Cys)

Gene: KCNH2 (potassium voltage-gated channel subfamily H member 2; minus strand). Cytogenetic location: 7q36.1.
Variant type: single nucleotide variant.
Coding change: c.1714G>T on transcript NM_000238.4 (MANE Select); coding-DNA position 1714, G replaced by T.
Protein change: p.Gly572Cys; replaces glycine 572 with cysteine.
Molecular consequence: missense variant.
Genome position (GRCh38, 1-based): chr7:150,951,679, C>A on the plus strand (G>T on the coding strand, the complement: KCNH2 is on the minus strand). VCF-style: chr7-150951679-C-A. GRCh37 (hg19) VCF-style: chr7-150648767-C-A.
Other names: c.1714G>T (LRG_288t1); c.694G>T, p.Gly232Cys (NM_001204798.2, NM_172057.3); c.1426G>T, p.Gly476Cys (NM_001406753.1, NM_001406756.1); c.1537G>T, p.Gly513Cys (NM_001406755.1); c.1414G>T, p.Gly472Cys (NM_001406757.1); c.1714G>T, p.Gly572Cys (NM_172056.3); short protein forms G232C, G572C, G476C, G472C, G513C.
Identifiers: ClinVar variation 67249 (VCV000067249.3), dbSNP rs9333649, ClinGen allele CA005257.

ClinVar aggregate classification (germline): not provided (0 of 4 stars; one submission).

Conditions:
Familial long QT syndrome (RWS). Also called: Congenital long QT syndrome; Romano-Ward syndrome; VENTRICULAR FIBRILLATION WITH PROLONGED QT INTERVAL. Identifiers: Orphanet 768, MedGen C1141890, MONDO:0019171.

Submission:

Cardiovascular Biomedical Research Unit, Royal Brompton & Harefield NHS Foundation Trust
No classification provided. Condition: Familial long QT syndrome. Review status: no classification provided. Collection method: literature only. Allele origin: germline.
Comment: This variant has been reported as associated with Long QT syndrome in the following publications (PMID:9693036). This is a literature report, and does not necessarily reflect the clinical interpretation of the Imperial College / Royal Brompton Cardiovascular Genetics laboratory.

Literature cited by the submitters: PubMed 9693036; PubMed 22581653.